The following is an entry in ClinVar:

NM_207037.2(TCF12):c.1541C>A (p.Ser514Ter)

Gene: TCF12 (transcription factor 12; plus strand). Cytogenetic location: 15q21.3.
Variant type: single nucleotide variant.
Coding change: c.1541C>A on transcript NM_207037.2 (MANE Select); coding-DNA position 1541, C replaced by A.
Protein change: p.Ser514Ter; replaces serine 514 with a stop codon.
Molecular consequence: nonsense.
Genome position (GRCh38, 1-based): chr15:57,262,167, C>A. VCF-style: chr15-57262167-C-A. GRCh37 (hg19) VCF-style: chr15-57554365-C-A.
Other names: c.1469C>A, p.Ser490Ter (NM_001322157.3, NM_001322165.2, NM_003205.4 and 1 more transcripts); c.1295C>A, p.Ser432Ter (NM_001322158.2); c.1541C>A, p.Ser514Ter (NM_001322159.3, NM_001322162.2, NM_207036.2 and 2 more transcripts); c.1538C>A, p.Ser513Ter (NM_001322161.2); c.1505C>A, p.Ser502Ter (NM_001322164.2); c.1031C>A, p.Ser344Ter (NM_001306219.3); c.761C>A, p.Ser254Ter (NM_001306220.3); c.884C>A, p.Ser295Ter (NM_001322154.2); and 2 more; short protein forms S254*, S432*, S344*, S456*, S514*, S490*, S295*, S320*.
Identifiers: ClinVar variation 930393 (VCV000930393.6), dbSNP rs2060619071, ClinGen allele CA392589155.

ClinVar aggregate classification (germline): Pathogenic. Review status: criteria provided, multiple submitters, no conflicts (2 of 4 stars). 2 submissions from 2 submitters: Pathogenic (2). Last evaluated 2023-12-01.

Conditions:
TCF12-related craniosynostosis. Also called: Craniosynostosis 3. Identifiers: Orphanet 35098, Orphanet 35099, Orphanet 672979, MedGen C3715051, MONDO:0014128, OMIM 615314.

Submissions (2):

Labcorp Genetics (formerly Invitae), Labcorp
Classification: Pathogenic. Last evaluated: 2023-12-01. Review status: criteria provided, single submitter. Criteria: Invitae Variant Classification Sherloc (09022015). Collection method: clinical testing. Allele origin: germline.
Comment: This sequence change creates a premature translational stop signal (p.Ser514*) in the TCF12 gene. It is expected to result in an absent or disrupted protein product. Loss-of-function variants in TCF12 are known to be pathogenic (PMID: 23354436, 32620954). This variant is not present in population databases (gnomAD no frequency). This premature translational stop signal has been observed in individual(s) with craniosynostosis (PMID: 33547006). ClinVar contains an entry for this variant (Variation ID: 930393). For these reasons, this variant has been classified as Pathogenic.

Centre for Mendelian Genomics, University Medical Centre Ljubljana
Classification: Pathogenic for TCF12-related craniosynostosis. Last evaluated: 2016-01-01. Review status: criteria provided, single submitter. Criteria: ACMG Guidelines, 2015. Collection method: clinical testing. Allele origin: unknown. Affected: yes.
Comment: This variant was classified as: Pathogenic. The following ACMG criteria were applied in classifying this variant: PVS1,PM2,PP3.

Literature cited by the submitters: PubMed 23354436 (cited by Labcorp Genetics (formerly Invitae), Labcorp); PubMed 32620954 (cited by Labcorp Genetics (formerly Invitae), Labcorp); PubMed 33547006 (cited by Labcorp Genetics (formerly Invitae), Labcorp).